The following is an entry in ClinVar:

ClinVar aggregate classification (germline): Uncertain significance. Review status: criteria provided, multiple submitters, no conflicts (2 of 4 stars). 2 submissions from 2 submitters: Uncertain significance (2). Last evaluated 2022-11-30.

Conditions:
Hereditary cancer-predisposing syndrome. Also called: Hereditary neoplastic syndrome; Neoplastic Syndromes, Hereditary; Tumor predisposition; Hereditary Cancer Syndrome. Identifiers: Orphanet 140162, MedGen C0027672, MeSH D009386, MONDO:0015356.
Neuroblastoma, susceptibility to, 3. Also called: ALK-Related Neuroblastic Tumor Susceptibility. Identifiers: Orphanet 635, MedGen C2751681, MONDO:0013083, OMIM 613014.

Allele frequency attached by ClinVar (database versions not stated): TOPMed below 0.00001.

Submissions (2):

Ambry Genetics
Classification: Uncertain significance for Hereditary cancer-predisposing syndrome. Last evaluated: 2022-11-30. Review status: criteria provided, single submitter. Criteria: Ambry Variant Classification Scheme 2023. Collection method: clinical testing. Allele origin: germline.
Comment: The p.E1000Q variant (also known as c.2998G>C), located in coding exon 18 of the ALK gene, results from a G to C substitution at nucleotide position 2998. The glutamic acid at codon 1000 is replaced by glutamine, an amino acid with highly similar properties. This amino acid position is conserved. In addition, this alteration is predicted to be tolerated by in silico analysis. Since supporting evidence is limited at this time, the clinical significance of this alteration remains unclear.

Labcorp Genetics (formerly Invitae), Labcorp
Classification: Uncertain significance for Neuroblastoma, susceptibility to, 3. Last evaluated: 2021-04-28. Review status: criteria provided, single submitter. Criteria: Invitae Variant Classification Sherloc (09022015). Collection method: clinical testing. Allele origin: germline.
Comment: In summary, the available evidence is currently insufficient to determine the role of this variant in disease. Therefore, it has been classified as a Variant of Uncertain Significance. Algorithms developed to predict the effect of missense changes on protein structure and function are either unavailable or do not agree on the potential impact of this missense change (SIFT: "Deleterious"; PolyPhen-2: "Benign"; Align-GVGD: "Class C25"). This variant has not been reported in the literature in individuals with ALK-related conditions. This variant is not present in population databases (ExAC no frequency). This sequence change replaces glutamic acid with glutamine at codon 1000 of the ALK protein (p.Glu1000Gln). The glutamic acid residue is highly conserved and there is a small physicochemical difference between glutamic acid and glutamine.

NM_004304.5(ALK):c.2998G>C (p.Glu1000Gln)

Gene: ALK (ALK receptor tyrosine kinase; minus strand). Cytogenetic location: 2p23.2.
Variant type: single nucleotide variant.
Coding change: c.2998G>C on transcript NM_004304.5 (MANE Select); coding-DNA position 2998, G replaced by C.
Protein change: p.Glu1000Gln; replaces glutamic acid 1000 with glutamine.
Molecular consequence: missense variant.
Genome position (GRCh38, 1-based): chr2:29,226,991, C>G on the plus strand (G>C on the coding strand, the complement: ALK is on the minus strand). VCF-style: chr2-29226991-C-G. GRCh37 (hg19) VCF-style: chr2-29449857-C-G.
Other names: c.2998G>C (NM_004304.4); short protein forms E1000Q.
Identifiers: ClinVar variation 1022703 (VCV001022703.10), dbSNP rs1664020327, ClinGen allele CA346467677.